The following is an entry in ClinVar:

NM_177438.3(DICER1):c.909A>C (p.Leu303=)

Gene: DICER1 (dicer 1, ribonuclease III; minus strand). Cytogenetic location: 14q32.13.
Variant type: single nucleotide variant.
Coding change: c.909A>C on transcript NM_177438.3 (MANE Select); coding-DNA position 909, A replaced by C.
Protein change: p.Leu303=; no amino-acid change (leucine 303 retained).
Molecular consequence: synonymous variant.
Genome position (GRCh38, 1-based): chr14:95,124,663, T>G on the plus strand (A>C on the coding strand, the complement: DICER1 is on the minus strand). VCF-style: chr14-95124663-T-G. GRCh37 (hg19) VCF-style: chr14-95591000-T-G.
Other names: c.909A>C, p.Leu303= (NM_001195573.1, NM_001271282.3, NM_001291628.2 and 1 more transcripts).
Identifiers: ClinVar variation 477293 (VCV000477293.20), dbSNP rs773509809, ClinGen allele CA487632617.

ClinVar aggregate classification (germline): Benign/Likely benign. Review status: criteria provided, multiple submitters, no conflicts (2 of 4 stars). 5 submissions from 5 submitters: Benign (1); Likely benign (4). Last evaluated 2026-04-15.

Conditions:
Hereditary cancer-predisposing syndrome. Also called: Tumor predisposition; Hereditary Cancer Syndrome; Neoplastic Syndromes, Hereditary; Hereditary neoplastic syndrome. Identifiers: Orphanet 140162, MedGen C0027672, MeSH D009386, MONDO:0015356.
DICER1-related tumor predisposition. Also called: DICER1 syndrome; DICER1-related pleuropulmonary blastoma cancer predisposition syndrome. Identifiers: Orphanet 284343, MedGen C3839822, MONDO:0100216.

gnomAD v4.1: 6 of 1,611,388 alleles (0.00037%); highest among the groups gnomAD compares: Non-Finnish European, 0.00025%; no homozygotes.

Submissions (5):

Myriad Genetics, Inc.
Classification: Benign for DICER1-related tumor predisposition. Last evaluated: 2026-04-15. Review status: criteria provided, single submitter. Criteria: Myriad Autosomal Dominant, Autosomal Recessive and X-Linked Classification Criteria (2023). Collection method: clinical testing. Allele origin: unknown.
Comment: This variant is considered benign. This variant is a silent/synonymous amino acid change and it is not expected to impact splicing.

Labcorp Genetics (formerly Invitae), Labcorp
Classification: Likely benign for DICER1-related tumor predisposition. Last evaluated: 2025-09-28. Review status: criteria provided, single submitter. Criteria: Invitae Variant Classification Sherloc (09022015). Collection method: clinical testing. Allele origin: germline.

Quest Diagnostics Nichols Institute San Juan Capistrano
Classification: Likely benign. Last evaluated: 2024-12-10. Review status: criteria provided, single submitter. Criteria: Quest Diagnostics criteria. Collection method: clinical testing. Allele origin: unknown.

Blueprint Genetics
Classification: Likely benign. Last evaluated: 2022-02-01. Review status: criteria provided, single submitter. Criteria: ACMG Guidelines, 2015. Collection method: clinical testing. Allele origin: germline.

Ambry Genetics
Classification: Likely benign for Hereditary cancer-predisposing syndrome. Last evaluated: 2019-01-11. Review status: criteria provided, single submitter. Criteria: Ambry Variant Classification Scheme 2023. Collection method: clinical testing. Allele origin: germline.